The following is an entry in ClinVar:

ClinVar aggregate classification (germline): Conflicting classifications of pathogenicity. Review status: criteria provided, conflicting classifications (1 of 4 stars). 7 submissions from 7 submitters: Uncertain significance (1); Benign (1); Likely benign (5). Last evaluated 2026-01-05.

Conditions:
Cardiovascular phenotype. Identifiers: MedGen CN230736.
Cardiomyopathy (CMYO). Also called: Cardiomyopathies. Identifiers: Orphanet 167848, MedGen C0878544, MONDO:0004994, HP:0001638. Inheritance: Various modes of inheritance.
Arrhythmogenic right ventricular dysplasia 10. Also called: Arrhythmogenic Right Ventricular Dysplasia/Cardiomyopathy10; Arrhythmogenic right ventricular dysplasia/cardiomyopathy, type 10; ARRHYTHMOGENIC RIGHT VENTRICULAR DYSPLASIA, FAMILIAL, 10. Identifiers: MedGen C1857777, MONDO:0012434, OMIM 610193.

Allele frequency attached by ClinVar (database versions not stated): gnomAD 0.00004; ExAC 0.00007; TOPMed 0.00009; gnomAD exomes 0.00011.
gnomAD v4.1: 48 of 1,614,156 alleles (0.003%); highest among the groups gnomAD compares: East Asian, 0.1%; no homozygotes.

Submissions (7):

Labcorp Genetics (formerly Invitae), Labcorp
Classification: Likely benign for Arrhythmogenic right ventricular dysplasia 10. Last evaluated: 2026-01-05. Review status: criteria provided, single submitter. Criteria: Invitae Variant Classification Sherloc (09022015). Collection method: clinical testing. Allele origin: germline.

Ambry Genetics
Classification: Benign for Cardiovascular phenotype. Last evaluated: 2023-01-23. Review status: criteria provided, single submitter. Criteria: Ambry Variant Classification Scheme 2023. Collection method: clinical testing. Allele origin: germline.

Phosphorus, Inc.
Classification: Likely benign. Last evaluated: 2022-01-19. Review status: criteria provided, single submitter. Criteria: ACMG Guidelines, 2015. Collection method: clinical testing. Allele origin: germline. Inheritance: Autosomal dominant inheritance.
Comment: This missense variant results in an amino acid substitution of Leucine with Arginine at codon 563 of the DSG2 gene (transcript: NM_001943.3). This variant has an entry in ClinVar (228630) NM_001943.5(DSG2):c.1688T>G (p.Leu563Arg). This variant occurred in gnomAD with a total MAF of 0.0110% and with the highest MAF of 0.1566% in the East Asian population. This position is not conserved. In silico functional algorithms predict this variant to be benign (PolyPhen) and tolerated (SIFT). However, no functional studies were performed to confirm either of those predictions. The variant has not occurred in the literature in association with the disease. Considering that the variant has a relatively high frequency in the subpopulation, it has been classified as Likely Benign.

Color Diagnostics, LLC DBA Color Health
Classification: Likely benign for Cardiomyopathy. Last evaluated: 2019-05-24. Review status: criteria provided, single submitter. Criteria: ACMG Guidelines, 2015. Collection method: clinical testing. Allele origin: germline.

Women's Health and Genetics/Laboratory Corporation of America, LabCorp
Classification: Likely benign. Last evaluated: 2017-03-06. Review status: criteria provided, single submitter. Criteria: LabCorp Variant Classification Summary - May 2015. Collection method: clinical testing. Allele origin: germline.
Comment: Variant summary: The DSG2 c.1688T>G (p.Leu563Arg) variant involves the alteration of a non-conserved nucleotide. 4/5 in silico tools predict a benign outcome for this variant. This variant was found in 9/120636 control chromosomes, predominantly observed in the East Asian subpopulation at a frequency of 0.001047 (9/8594). This frequency is about 105 times the estimated maximal expected allele frequency of a pathogenic DSG2 variant (0.00001), suggesting this is likely a benign polymorphism found primarily in the populations of East Asian origin. Another clinical diagnostic laboratory classified this variant as uncertain significance, without evidence for independent evaluation. Taken together, this variant is classified as likely benign.

GeneDx
Classification: Likely benign. Last evaluated: 2016-10-27. Review status: criteria provided, single submitter. Criteria: GeneDx Variant Classification (06012015). Collection method: clinical testing. Allele origin: germline. Affected: yes.
Comment: This variant is considered likely benign or benign based on one or more of the following criteria: it is a conservative change, it occurs at a poorly conserved position in the protein, it is predicted to be benign by multiple in silico algorithms, and/or has population frequency not consistent with disease.

Laboratory for Molecular Medicine, Mass General Brigham Personalized Medicine
Classification: Uncertain significance. Last evaluated: 2015-04-13. Review status: criteria provided, single submitter. Criteria: LMM Criteria. Collection method: clinical testing. Allele origin: germline. Observed: 1 variant allele.
Comment: Variant classified as Uncertain Significance - Favor Benign. The p.Leu563Arg var iant in DSG2 has not been previously reported in individuals with cardiomyopathy , but has been identified in 0.1% (9/8594) East Asian chromosomes by the Exome A ggregation Consortium Sequencing Project. Leuci ne (Leu) at position 563 is not conserved in mammals or evolutionarily distant s pecies and the mouse carries arginine (Arg) at this position, raising the possib ility that this change may be tolerated. In summary, while the clinical signific ance of the p.Leu563Arg variant is uncertain, its frequency and the presence of the variant amino acid in another mammal suggests that it is more likely to be b enign.

Literature cited by the submitters: PubMed 28878402 (cited by Ambry Genetics); PubMed 25877686 (cited by Women's Health and Genetics/Laboratory Corporation of America, LabCorp).

NM_001943.5(DSG2):c.1688T>G (p.Leu563Arg)

Gene: DSG2 (desmoglein 2; plus strand). Cytogenetic location: 18q12.1.
Variant type: single nucleotide variant.
Coding change: c.1688T>G on transcript NM_001943.5 (MANE Select); coding-DNA position 1688, T replaced by G.
Protein change: p.Leu563Arg; replaces leucine 563 with arginine.
Molecular consequence: missense variant.
Genome position (GRCh38, 1-based): chr18:31,538,787, T>G. VCF-style: chr18-31538787-T-G. GRCh37 (hg19) VCF-style: chr18-29118750-T-G.
Other names: short protein forms L563R.
Identifiers: ClinVar variation 228630 (VCV000228630.19), dbSNP rs780469370, ClinGen allele CA043432.